The following is an entry in ClinVar:

NM_016203.4(PRKAG2):c.1555A>G (p.Thr519Ala)

Gene: PRKAG2 (protein kinase AMP-activated non-catalytic subunit gamma 2; minus strand). Cytogenetic location: 7q36.1.
Variant type: single nucleotide variant.
Coding change: c.1555A>G on transcript NM_016203.4 (MANE Select); coding-DNA position 1555, A replaced by G.
Protein change: p.Thr519Ala; replaces threonine 519 with alanine.
Molecular consequence: missense variant.
Genome position (GRCh38, 1-based): chr7:151,564,107, T>C on the plus strand (A>G on the coding strand, the complement: PRKAG2 is on the minus strand). VCF-style: chr7-151564107-T-C. GRCh37 (hg19) VCF-style: chr7-151261193-T-C.
Other names: c.1423A>G, p.Thr475Ala (NM_001040633.2); c.1180A>G, p.Thr394Ala (NM_001304527.2); c.832A>G, p.Thr278Ala (NM_001304531.2, NM_024429.2); c.1183A>G, p.Thr395Ala (NM_001363698.2); short protein forms T519A, T394A, T395A, T278A, T475A.
Identifiers: ClinVar variation 410718 (VCV000410718.7), dbSNP rs1060503024, ClinGen allele CA16612200.

ClinVar aggregate classification (germline): Uncertain significance. Review status: criteria provided, multiple submitters, no conflicts (2 of 4 stars). 2 submissions from 2 submitters: Uncertain significance (2). Last evaluated 2022-11-01.

Conditions:
Cardiomyopathy (CMYO). Also called: Cardiomyopathies. Identifiers: Orphanet 167848, MedGen C0878544, MONDO:0004994, HP:0001638. Inheritance: Various modes of inheritance.
Lethal congenital glycogen storage disease of heart. Also called: GLYCOGEN STORAGE DISEASE OF HEART; PHOSPHORYLASE KINASE DEFICIENCY OF HEART. Identifiers: Orphanet 439854, MedGen C1849813, MONDO:0009867, OMIM 261740.

Allele frequency attached by ClinVar (database versions not stated): gnomAD exomes below 0.00001.
gnomAD v4.1: 1 of 1,614,128 alleles (0.000062%); highest among the groups gnomAD compares: South Asian, 0.0011%; no homozygotes.

Submissions (2):

Color Diagnostics, LLC DBA Color Health
Classification: Uncertain significance for Cardiomyopathy. Last evaluated: 2022-11-01. Review status: criteria provided, single submitter. Criteria: ACMG Guidelines, 2015. Collection method: clinical testing. Allele origin: germline.
Comment: This missense variant replaces threonine with alanine at codon 519 of the PRKAG2 protein. Computational prediction suggests that this variant may not impact protein structure and function (internally defined REVEL score threshold <= 0.5, PMID: 27666373). To our knowledge, functional studies have not been reported for this variant. This variant has not been reported in individuals affected with cardiovascular disorders in the literature. This variant has not been identified in the general population by the Genome Aggregation Database (gnomAD). The available evidence is insufficient to determine the role of this variant in disease conclusively. Therefore, this variant is classified as a Variant of Uncertain Significance.

Labcorp Genetics (formerly Invitae), Labcorp
Classification: Uncertain significance for Lethal congenital glycogen storage disease of heart. Last evaluated: 2021-09-02. Review status: criteria provided, single submitter. Criteria: Invitae Variant Classification Sherloc (09022015). Collection method: clinical testing. Allele origin: germline.
Comment: This sequence change replaces threonine with alanine at codon 519 of the PRKAG2 protein (p.Thr519Ala). The threonine residue is highly conserved and there is a small physicochemical difference between threonine and alanine. This variant is not present in population databases (ExAC no frequency). This variant has not been reported in the literature in individuals affected with PRKAG2-related conditions. Algorithms developed to predict the effect of missense changes on protein structure and function are either unavailable or do not agree on the potential impact of this missense change (SIFT: "Deleterious"; PolyPhen-2: "Benign"; Align-GVGD: "Class C15"). In summary, the available evidence is currently insufficient to determine the role of this variant in disease. Therefore, it has been classified as a Variant of Uncertain Significance.